The following is an entry in ClinVar:

ClinVar aggregate classification (germline): Uncertain significance. Review status: criteria provided, multiple submitters, no conflicts (2 of 4 stars). 2 submissions from 2 submitters: Uncertain significance (2). Last evaluated 2024-07-22.

Conditions:
Early-infantile DEE. Also called: Early infantile epileptic encephalopathy with suppression bursts; Early infantile epileptic encephalopathy; Ohtahara syndrome. Identifiers: Orphanet 1934, MedGen C0393706, MONDO:0800491.

Submissions (2):

GeneDx
Classification: Uncertain significance. Last evaluated: 2024-07-22. Review status: criteria provided, single submitter. Criteria: GeneDx Variant Classification Process June 2021. Collection method: clinical testing. Allele origin: germline. Affected: yes.
Comment: Not observed at significant frequency in large population cohorts (gnomAD); This substitution is predicted to be within the extracellular loop between the S5 and S6 transmembrane segments of the second homologous domain.; In silico analysis indicates that this missense variant does not alter protein structure/function; Has not been previously published as pathogenic or benign to our knowledge

Labcorp Genetics (formerly Invitae), Labcorp
Classification: Uncertain significance for Early-infantile DEE. Last evaluated: 2022-09-23. Review status: criteria provided, single submitter. Criteria: Invitae Variant Classification Sherloc (09022015). Collection method: clinical testing. Allele origin: germline.
Comment: This sequence change replaces serine, which is neutral and polar, with asparagine, which is neutral and polar, at codon 915 of the SCN1A protein (p.Ser915Asn). This variant is not present in population databases (gnomAD no frequency). This variant has not been reported in the literature in individuals affected with SCN1A-related conditions. Advanced modeling of protein sequence and biophysical properties (such as structural, functional, and spatial information, amino acid conservation, physicochemical variation, residue mobility, and thermodynamic stability) performed at Invitae indicates that this missense variant is not expected to disrupt SCN1A protein function. In summary, the available evidence is currently insufficient to determine the role of this variant in disease. Therefore, it has been classified as a Variant of Uncertain Significance.

NM_001165963.4(SCN1A):c.2744G>A (p.Ser915Asn)

Gene: SCN1A (sodium voltage-gated channel alpha subunit 1; minus strand). Cytogenetic location: 2q24.3.
Variant type: single nucleotide variant.
Coding change: c.2744G>A on transcript NM_001165963.4 (MANE Select); coding-DNA position 2744, G replaced by A.
Protein change: p.Ser915Asn; replaces serine 915 with asparagine.
Molecular consequence: missense variant. On other transcripts: non-coding transcript variant (1).
Genome position (GRCh38, 1-based): chr2:166,037,978, C>T on the plus strand (G>A on the coding strand, the complement: SCN1A is on the minus strand). VCF-style: chr2-166037978-C-T. GRCh37 (hg19) VCF-style: chr2-166894488-C-T.
Other names: c.2660G>A, p.Ser887Asn (NM_001165964.3, NM_001353957.2, NM_001353958.2); c.2744G>A, p.Ser915Asn (NM_001202435.3, NM_001353948.2); c.2711G>A, p.Ser904Asn (NM_001353949.2, NM_001353950.2, NM_001353951.2 and 2 more transcripts); c.2708G>A, p.Ser903Asn (NM_001353954.2, NM_001353955.2); c.2657G>A, p.Ser886Asn (NM_001353960.2); c.302G>A, p.Ser101Asn (NM_001353961.2); c.2744G>A (NM_001165963.1); short protein forms S101N, S904N, S915N, S886N, S903N, S887N.
Identifiers: ClinVar variation 2059011 (VCV002059011.6), dbSNP rs2468098151, ClinGen allele CA349061475.
Genomic context (GRCh38, chr2:166,037,978, plus strand): 5'-TTCATGTGCCAGCGTGGGAGTTGACAATCACTGGCGATCTTGCAGACACAATCTTTGTAG[C>T]TTTTACCAAAGAGCTGCATGCCGACCACGGCAAAAATGAAGACGATGATGGCCAAGACGA-3'
Protein context (NP_001159435.1, residues 905-925): AVVGMQLFGK[Ser915Asn]YKDCVCKIAS